The following is an entry in ClinVar:

ClinVar aggregate classification (germline): Likely pathogenic (1 of 4 stars; one submission).

Conditions:
Sessile serrated polyposis cancer syndrome (SSPCS). Identifiers: Orphanet 157798, MedGen C4310714, MONDO:0014919, OMIM 617108.

Submission:

Myriad Genetics, Inc.
Classification: Likely pathogenic for Sessile serrated polyposis cancer syndrome. Last evaluated: 2025-12-12. Review status: criteria provided, single submitter. Criteria: Myriad Autosomal Dominant, Autosomal Recessive and X-Linked Classification Criteria (2023). Collection method: clinical testing. Allele origin: unknown.
Comment: This variant is considered likely pathogenic. This variant creates a frameshift predicted to result in premature protein truncation.

NM_017763.6(RNF43):c.1969dup (p.Arg657fs)

Gene: RNF43 (ring finger protein 43; minus strand). Cytogenetic location: 17q22.
Variant type: Duplication.
Coding change: c.1969dup on transcript NM_017763.6 (MANE Select); coding-DNA position 1969, one base duplicated (C; older notation c.1969dupC).
Protein change: p.Arg657fs; shifts the reading frame from arginine 657.
Molecular consequence: frameshift variant.
Genome position (GRCh38, 1-based): chr17:58,357,807, G duplicated on the plus strand (C on the coding strand, the reverse complement: RNF43 is on the minus strand). VCF-style (leftmost placement, unchanged base first): chr17-58357806-C-CG. GRCh37 (hg19) VCF-style: chr17-56435167-C-CG.
Other names: c.1969dup, p.Arg657fs (NM_001305544.3, NM_001438820.1, NM_001438821.1 and 1 more transcripts); c.1588dup, p.Arg530fs (NM_001305545.2, NM_001437987.1); short protein forms R530fs, R657fs.
Identifiers: ClinVar variation 4812967 (VCV004812967.1).